The following is an entry in ClinVar:

ClinVar aggregate classification (germline): Uncertain significance. Review status: criteria provided, multiple submitters, no conflicts (2 of 4 stars). 2 submissions from 2 submitters: Uncertain significance (2). Last evaluated 2025-12-08.

Conditions:
Inborn genetic diseases. Identifiers: MedGen C0950123, MeSH D030342.

gnomAD v4.1: 15 of 1,612,560 alleles (0.00093%); highest among the groups gnomAD compares: Non-Finnish European, 0.0013%; no homozygotes.

Submissions (2):

Ambry Genetics
Classification: Uncertain significance for Inborn genetic diseases. Last evaluated: 2025-12-08. Review status: criteria provided, single submitter. Criteria: Ambry Variant Classification Scheme 2023. Collection method: clinical testing. Allele origin: germline.

Labcorp Genetics (formerly Invitae), Labcorp
Classification: Uncertain significance. Last evaluated: 2022-04-22. Review status: criteria provided, single submitter. Criteria: Invitae Variant Classification Sherloc (09022015). Collection method: clinical testing. Allele origin: germline.
Comment: This sequence change replaces lysine, which is basic and polar, with asparagine, which is neutral and polar, at codon 137 of the MME protein (p.Lys137Asn). In summary, the available evidence is currently insufficient to determine the role of this variant in disease. Therefore, it has been classified as a Variant of Uncertain Significance. Algorithms developed to predict the effect of missense changes on protein structure and function (SIFT, PolyPhen-2, Align-GVGD) all suggest that this variant is likely to be disruptive. This variant has not been reported in the literature in individuals affected with MME-related conditions. This variant is not present in population databases (gnomAD no frequency).

NM_007289.4(MME):c.411A>C (p.Lys137Asn)

Gene: MME (membrane metalloendopeptidase; plus strand). Cytogenetic location: 3q25.2.
Variant type: single nucleotide variant.
Coding change: c.411A>C on transcript NM_007289.4 (MANE Select); coding-DNA position 411, A replaced by C.
Protein change: p.Lys137Asn; replaces lysine 137 with asparagine.
Molecular consequence: missense variant.
Genome position (GRCh38, 1-based): chr3:155,116,531, A>C. VCF-style: chr3-155116531-A-C. GRCh37 (hg19) VCF-style: chr3-154834320-A-C.
Other names: c.411A>C, p.Lys137Asn (NM_000902.5, NM_001354642.2, NM_001354643.1 and 2 more transcripts); c.411A>C (NM_007289.2); short protein forms K137N.
Identifiers: ClinVar variation 2197443 (VCV002197443.5), dbSNP rs199805977, ClinGen allele CA355127828.